The following is an entry in ClinVar:

ClinVar aggregate classification (germline): Uncertain significance (1 of 4 stars; one submission).

Conditions:
RYR1-related disorder. Also called: RYR1-related condition; RYR1-related disorders. Identifiers: MedGen CN239331.

gnomAD v4.1: 1 of 1,572,390 alleles (0.000064%); highest among the groups gnomAD compares: South Asian, 0.0011%; no homozygotes.

Submission:

Labcorp Genetics (formerly Invitae), Labcorp
Classification: Uncertain significance for RYR1-related disorder. Last evaluated: 2022-07-12. Review status: criteria provided, single submitter. Criteria: Invitae Variant Classification Sherloc (09022015). Collection method: clinical testing. Allele origin: germline.
Comment: This sequence change replaces arginine, which is basic and polar, with threonine, which is neutral and polar, at codon 2612 of the RYR1 protein (p.Arg2612Thr). This variant also falls at the last nucleotide of exon 48, which is part of the consensus splice site for this exon. This variant is present in population databases (no rsID available, gnomAD 0.003%). This variant has not been reported in the literature in individuals affected with RYR1-related conditions. ClinVar contains an entry for this variant (Variation ID: 1347519). Algorithms developed to predict the effect of missense changes on protein structure and function (SIFT, PolyPhen-2, Align-GVGD) all suggest that this variant is likely to be tolerated. Variants that disrupt the consensus splice site are a relatively common cause of aberrant splicing (PMID: 17576681, 9536098). Algorithms developed to predict the effect of sequence changes on RNA splicing suggest that this variant may disrupt the consensus splice site. In summary, the available evidence is currently insufficient to determine the role of this variant in disease. Therefore, it has been classified as a Variant of Uncertain Significance.

Literature cited by the submitters: PubMed 17576681; PubMed 9536098.

NM_000540.3(RYR1):c.7835G>C (p.Arg2612Thr)

Gene: RYR1 (ryanodine receptor 1; plus strand). Cytogenetic location: 19q13.2.
Variant type: single nucleotide variant.
Coding change: c.7835G>C on transcript NM_000540.3 (MANE Select); coding-DNA position 7835, G replaced by C.
Protein change: p.Arg2612Thr; replaces arginine 2612 with threonine.
Molecular consequence: missense variant.
Genome position (GRCh38, 1-based): chr19:38,502,727, G>C. VCF-style: chr19-38502727-G-C. GRCh37 (hg19) VCF-style: chr19-38993367-G-C.
Other names: c.7835G>C, p.Arg2612Thr (NM_001042723.2); short protein forms R2612T.
Identifiers: ClinVar variation 1347519 (VCV001347519.3), dbSNP rs769677939, ClinGen allele CA405673125.
Genomic context (GRCh38, chr19:38,502,727, plus strand): 5'-GTCGTTCGCTCACCAAGGCGCAGCGTGACGTCATCGAGGACTGCCTCATGTCGCTCTGCA[G>C]GTGGAGCGGGGCAGGCTTCAGGGTGGGGCAGGGGCAGGGGCAGGGGCAGGGGCAGGGGCA-3'
Protein context (NP_000531.2, residues 2602-2622): VIEDCLMSLC[Arg2612Thr]YIRPSMLQHL